The following is an entry in ClinVar:

NM_021147.5(CCNO):c.54_55delinsTT (p.Arg18_Arg19delinsSerTrp)

Gene: CCNO (cyclin O; minus strand). Cytogenetic location: 5q11.2.
Variant type: Indel.
Coding change: c.54_55delinsTT on transcript NM_021147.5 (MANE Select); coding-DNA positions 54 to 55, GC replaced by TT.
Protein change: p.Arg18_Arg19delinsSerTrp.
Molecular consequence: missense variant. On other transcripts: non-coding transcript variant (2).
Genome position (GRCh38, 1-based): chr5:55,233,469-55,233,470, GC replaced by AA on the plus strand (GC replaced by TT on the coding strand, the reverse complement: CCNO is on the minus strand). VCF-style: chr5-55233469-GC-AA. GRCh37 (hg19) VCF-style: chr5-54529297-GC-AA.
Identifiers: ClinVar variation 852660 (VCV000852660.10), dbSNP rs1745665257, ClinGen allele CA916082711.

ClinVar aggregate classification (germline): Uncertain significance (1 of 4 stars; one submission).

Conditions:
Primary ciliary dyskinesia. Also called: Ciliary dyskinesia. Identifiers: Orphanet 244, MedGen C0008780, MONDO:0016575, HP:0012265.

Submission:

Labcorp Genetics (formerly Invitae), Labcorp
Classification: Uncertain significance for Primary ciliary dyskinesia. Last evaluated: 2019-02-14. Review status: criteria provided, single submitter. Criteria: Invitae Variant Classification Sherloc (09022015). Collection method: clinical testing. Allele origin: germline.
Comment: This variant, c.54_55delinsTT, is a complex sequence change that results in the deletion of 2 amino acids and insertion of 2 amino acids in the CCNO protein (p.Arg18_Arg19delinsSerTrp). In summary, the available evidence is currently insufficient to determine the role of this variant in disease. Therefore, it has been classified as a Variant of Uncertain Significance. Experimental studies and prediction algorithms are not available for this variant, and the functional significance of the affected amino acid(s) is currently unknown. This variant has not been reported in the literature in individuals with CCNO-related conditions. This variant is not present in population databases (ExAC no frequency).